The following is an entry in ClinVar:

NM_019023.5(PRMT7):c.1335_1338dup (p.His447Ter)

Gene: PRMT7 (protein arginine methyltransferase 7; plus strand). Cytogenetic location: 16q22.1.
Variant type: Duplication.
Coding change: c.1335_1338dup on transcript NM_019023.5 (MANE Select); coding-DNA positions 1335 to 1338, 4 bases duplicated (TAAC; older notation c.1335_1338dupTAAC).
Protein change: p.His447Ter; replaces histidine 447 with a stop codon.
Molecular consequence: nonsense. On other transcripts: non-coding transcript variant (12).
Genome position (GRCh38, 1-based): chr16:68,348,353-68,348,356, TAAC duplicated; duplicating any 4 consecutive bases within chr16:68,348,352-68,348,356 gives the same sequence; the c. name uses the placement nearest the transcript's 3' end. VCF-style (leftmost placement, unchanged base first): chr16-68348351-G-GCTAA. GRCh37 (hg19) VCF-style: chr16-68382254-G-GCTAA.
Other names: c.1185_1188dup, p.His397Ter (NM_001184824.4); c.1335_1338dup, p.His447Ter (NM_001290018.2, NM_001351143.3, NM_001351144.3 and 1 more transcripts); c.1128_1131dup, p.His378Ter (NM_001378020.1); c.1098_1101dup, p.His368Ter (NM_001378021.1, NM_001378022.1, NM_001378023.1); short protein forms H368*, H378*, H397*, H447*.
Identifiers: ClinVar variation 1878579 (VCV001878579.1), dbSNP rs2545118734, ClinGen allele CA2580091820.

ClinVar aggregate classification (germline): Likely pathogenic (1 of 4 stars; one submission).

Conditions:
Short stature-brachydactyly-obesity-global developmental delay syndrome. Also called: SHORT STATURE, BRACHYDACTYLY, IMPAIRED INTELLECTUAL DEVELOPMENT, AND SEIZURES; Short stature, brachydactyly, intellectual developmental disability, and seizures. Identifiers: Orphanet 464288, MedGen C4310689, MONDO:0014944, OMIM 617157.

Submission:

Neuberg Centre For Genomic Medicine, NCGM
Classification: Likely pathogenic for Short stature-brachydactyly-obesity-global developmental delay syndrome. Review status: criteria provided, single submitter. Criteria: ACMG Guidelines, 2015. Collection method: clinical testing. Allele origin: germline. Affected: yes.
Comment: This variant has not been reported previously in affected individuals. The variant is novel (not in any individuals) in gnomAD Exomes and 1000 Genomes. This variant is expected to cause protein truncation due to termination. Loss of function variants have been reported previously to be disease causing in PRMT7.This variant is classified as likely pathogenic as per ACMG guidelines.